The following is an entry in ClinVar:

NM_004186.5(SEMA3F):c.229G>A (p.Val77Met)

Gene: SEMA3F (semaphorin 3F; plus strand). Cytogenetic location: 3p21.31.
Variant type: single nucleotide variant.
Coding change: c.229G>A on transcript NM_004186.5 (MANE Select); coding-DNA position 229, G replaced by A.
Protein change: p.Val77Met; replaces valine 77 with methionine.
Molecular consequence: missense variant.
Genome position (GRCh38, 1-based): chr3:50,173,909, G>A. VCF-style: chr3-50173909-G-A. GRCh37 (hg19) VCF-style: chr3-50211342-G-A.
Other names: c.229G>A (NM_004186.4); c.25G>A, p.Val9Met (NM_001318798.2); c.229G>A, p.Val77Met (NM_001318800.2); short protein forms V77M, V9M.
Identifiers: ClinVar variation 3317294 (VCV003317294.3).

ClinVar aggregate classification (germline): Uncertain significance. Review status: criteria provided, multiple submitters, no conflicts (2 of 4 stars). 2 submissions from 2 submitters: Uncertain significance (2). Last evaluated 2026-03-21.

Conditions:
SEMA3F-related disorder. Also called: SEMA3F-related condition.

gnomAD v4.1: 88 of 1,614,156 alleles (0.0055%); highest among the groups gnomAD compares: African/African-American, 0.079%; no homozygotes.

Submissions (2):

PreventionGenetics, part of Exact Sciences
Classification: Uncertain significance for SEMA3F-related condition. Last evaluated: 2026-03-21. Review status: criteria provided, single submitter. Criteria: ACMG Guidelines, 2015. Collection method: clinical testing. Allele origin: germline.
Comment: The SEMA3F c.229G>A variant is predicted to result in the amino acid substitution p.Val77Met. To our knowledge, this variant has not been reported in the literature. This variant is reported in 0.090% of alleles in individuals of East Asian descent in gnomAD. Although we suspect that this variant may be benign, at this time, the clinical significance of this variant is uncertain due to the absence of conclusive functional and genetic evidence.

Ambry Genetics
Classification: Uncertain significance. Last evaluated: 2024-04-23. Review status: criteria provided, single submitter. Criteria: Ambry Variant Classification Scheme 2023. Collection method: clinical testing. Allele origin: germline.